The following is an entry in ClinVar:

ClinVar aggregate classification (germline): Uncertain significance. Review status: criteria provided, multiple submitters, no conflicts (2 of 4 stars). 2 submissions from 2 submitters: Uncertain significance (2). Last evaluated 2025-02-01.

Conditions:
Cardiovascular phenotype. Identifiers: MedGen CN230736.

gnomAD v4.1: 17 of 1,595,706 alleles (0.0011%); highest among the groups gnomAD compares: East Asian, 0.0023%; no homozygotes.

Submissions (2):

CeGaT Center for Human Genetics Tuebingen
Classification: Uncertain significance. Last evaluated: 2025-02-01. Review status: criteria provided, single submitter. Criteria: CeGaT Center For Human Genetics Tuebingen Variant Classification Criteria Version 2. Collection method: clinical testing. Allele origin: germline. Affected: yes. Observed: 2 variant alleles.
Comment: COL1A2: PM2, BP4

Ambry Genetics
Classification: Uncertain significance for Cardiovascular phenotype. Last evaluated: 2024-08-13. Review status: criteria provided, single submitter. Criteria: Ambry Variant Classification Scheme 2023. Collection method: clinical testing. Allele origin: germline.
Comment: The p.A1035T variant (also known as c.3103G>A), located in coding exon 46 of the COL1A2 gene, results from a G to A substitution at nucleotide position 3103. The alanine at codon 1035 is replaced by threonine, an amino acid with similar properties. This amino acid position is well conserved in available vertebrate species. In addition, this alteration is predicted to be tolerated by in silico analysis. Based on the available evidence, the clinical significance of this variant remains unclear.

NM_000089.4(COL1A2):c.3103G>A (p.Ala1035Thr)

Gene: COL1A2 (collagen type I alpha 2 chain; plus strand). Cytogenetic location: 7q21.3.
Variant type: single nucleotide variant.
Coding change: c.3103G>A on transcript NM_000089.4 (MANE Select); coding-DNA position 3103, G replaced by A.
Protein change: p.Ala1035Thr; replaces alanine 1035 with threonine.
Molecular consequence: missense variant.
Genome position (GRCh38, 1-based): chr7:94,426,528, G>A. VCF-style: chr7-94426528-G-A. GRCh37 (hg19) VCF-style: chr7-94055840-G-A.
Other names: short protein forms A1035T.
Identifiers: ClinVar variation 3257375 (VCV003257375.18).